The following is an entry in ClinVar:

NM_001330260.2(SCN8A):c.4062C>A (p.His1354Gln)

Gene: SCN8A (sodium voltage-gated channel alpha subunit 8; plus strand). Cytogenetic location: 12q13.13.
Variant type: single nucleotide variant.
Coding change: c.4062C>A on transcript NM_001330260.2 (MANE Select); coding-DNA position 4062, C replaced by A.
Protein change: p.His1354Gln; replaces histidine 1354 with glutamine.
Molecular consequence: missense variant.
Genome position (GRCh38, 1-based): chr12:51,786,661, C>A. VCF-style: chr12-51786661-C-A. GRCh37 (hg19) VCF-style: chr12-52180445-C-A.
Other names: c.3939C>A, p.His1313Gln (NM_001177984.3, NM_001369788.1); c.4062C>A, p.His1354Gln (NM_014191.4); short protein forms H1313Q, H1354Q.
Identifiers: ClinVar variation 3793257 (VCV003793257.2).

ClinVar aggregate classification (germline): Uncertain significance (1 of 4 stars; one submission).

Conditions:
Inborn genetic diseases. Identifiers: MedGen C0950123, MeSH D030342.

gnomAD v4.1: 1 of 1,613,974 alleles (0.000062%); highest among the groups gnomAD compares: Non-Finnish European, 0.000085%; no homozygotes.

Submission:

Ambry Genetics
Classification: Uncertain significance for Inborn genetic diseases. Last evaluated: 2025-04-14. Review status: criteria provided, single submitter. Criteria: Ambry Variant Classification Scheme 2023. Collection method: clinical testing. Allele origin: germline.
Comment: The c.4062C>A (p.H1354Q) alteration is located in exon 22 (coding exon 21) of the SCN8A gene. This alteration results from a C to A substitution at nucleotide position 4062, causing the histidine (H) at amino acid position 1354 to be replaced by a glutamine (Q). This variant was not reported in population-based cohorts in the Genome Aggregation Database (gnomAD). This amino acid position is not well conserved in available vertebrate species. This missense alteration is located in a region that has a low rate of benign missense variation (Lek, 2016; Firth, 2009). The in silico prediction for this alteration is inconclusive. Based on insufficient or conflicting evidence, the clinical significance of this alteration remains unclear.